The following is an entry in ClinVar:

NM_003079.5(SMARCE1):c.305G>C (p.Gly102Ala)

Gene: SMARCE1 (SWI/SNF related BAF chromatin remodeling complex subunit E1; minus strand). Cytogenetic location: 17q21.2.
Variant type: single nucleotide variant.
Coding change: c.305G>C on transcript NM_003079.5 (MANE Select); coding-DNA position 305, G replaced by C.
Protein change: p.Gly102Ala; replaces glycine 102 with alanine.
Molecular consequence: missense variant.
Genome position (GRCh38, 1-based): chr17:40,636,459, C>G on the plus strand (G>C on the coding strand, the complement: SMARCE1 is on the minus strand). VCF-style: chr17-40636459-C-G. GRCh37 (hg19) VCF-style: chr17-38792711-C-G.
Other names: short protein forms G102A.
Identifiers: ClinVar variation 4550503 (VCV004550503.1).

ClinVar aggregate classification (germline): Uncertain significance (1 of 4 stars; one submission).

Conditions:
Hereditary cancer-predisposing syndrome. Also called: Tumor predisposition; Hereditary Cancer Syndrome; Hereditary neoplastic syndrome; Neoplastic Syndromes, Hereditary. Identifiers: Orphanet 140162, MedGen C0027672, MeSH D009386, MONDO:0015356.

gnomAD v4.1: 1 of 1,612,148 alleles (0.000062%); highest among the groups gnomAD compares: South Asian, 0.0011%; no homozygotes.

Submission:

Ambry Genetics
Classification: Uncertain significance for Hereditary cancer-predisposing syndrome. Last evaluated: 2025-10-17. Review status: criteria provided, single submitter. Criteria: Ambry Variant Classification Scheme 2023. Collection method: clinical testing. Allele origin: germline.
Comment: The p.G102A variant (also known as c.305G>C), located in coding exon 5 of the SMARCE1 gene, results from a G to C substitution at nucleotide position 305. The glycine at codon 102 is replaced by alanine, an amino acid with similar properties. This amino acid position is conserved. In addition, the in silico prediction for this alteration is inconclusive. Based on the available evidence, the clinical significance of this variant remains unclear.